The following is an entry in ClinVar:

NM_000359.3(TGM1):c.1038C>A (p.Tyr346Ter)

Gene: TGM1 (transglutaminase 1; minus strand). Cytogenetic location: 14q12.
Variant type: single nucleotide variant.
Coding change: c.1038C>A on transcript NM_000359.3 (MANE Select); coding-DNA position 1038, C replaced by A.
Protein change: p.Tyr346Ter; replaces tyrosine 346 with a stop codon.
Molecular consequence: nonsense.
Genome position (GRCh38, 1-based): chr14:24,259,196, G>T on the plus strand (C>A on the coding strand, the complement: TGM1 is on the minus strand). VCF-style: chr14-24259196-G-T. GRCh37 (hg19) VCF-style: chr14-24728402-G-T.
Other names: short protein forms Y346*.
Identifiers: ClinVar variation 1724527 (VCV001724527.2), dbSNP rs2502501902, ClinGen allele CA389265039.
Genomic context (GRCh38, chr14:24,259,196, plus strand): 5'-TAGGTAGCTAAGCAGGATCTCCACGCTGCCCACCCACGCTGATGGGTTGGTGCCTCGGGA[G>T]TAATCACCAGACCAGTTCCCAATCAGGACTCCATTGTCATCCAGGGAGTTCACCTGCCCA-3'

ClinVar aggregate classification (germline): Likely pathogenic (1 of 4 stars; one submission).

Conditions:
Autosomal recessive congenital ichthyosis 1 (LI1). Also called: DESQUAMATION OF NEWBORN; ICHTHYOSIS CONGENITA; ICHTHYOSIS CONGENITA II; LAMELLAR EXFOLIATION OF NEWBORN; ICHTHYOSIS, CONGENITAL, AUTOSOMAL RECESSIVE 1, WITH BATHING SUIT DISTRIBUTION; ICHTHYOSIS, CONGENITAL, AUTOSOMAL RECESSIVE 1, WITH OR WITHOUT BATHING SUIT DISTRIBUTION. Identifiers: MedGen C4551630, MONDO:0009441, OMIM 242300.

Submission:

Myriad Genetics, Inc.
Classification: Likely pathogenic for Autosomal recessive congenital ichthyosis 1. Last evaluated: 2021-11-14. Review status: criteria provided, single submitter. Criteria: Myriad Women's Health Autosomal Recessive and X-Linked Classification Criteria (2021). Collection method: clinical testing. Allele origin: unknown.
Comment: NM_000359.2(TGM1):c.1038C>A(Y346*) is expected to be pathogenic in the context of TGM1-related autosomal recessive congenital ichthyosis. This variant is predicted to lead to an abnormal or absent protein product due to the creation of a premature termination codon in TGM1, a gene where loss-of-function variants are known to be pathogenic. Please note: this variant was assessed in the context of healthy population screening.